The following is an entry in ClinVar:

NM_006648.4(WNK2):c.5822C>T (p.Pro1941Leu)

Gene: WNK2 (WNK lysine deficient protein kinase 2; plus strand). Cytogenetic location: 9q22.31.
Variant type: single nucleotide variant.
Coding change: c.5822C>T on transcript NM_006648.4 (MANE Select); coding-DNA position 5822, C replaced by T.
Protein change: p.Pro1941Leu; replaces proline 1941 with leucine.
Molecular consequence: missense variant.
Genome position (GRCh38, 1-based): chr9:93,297,966, C>T. VCF-style: chr9-93297966-C-T. GRCh37 (hg19) VCF-style: chr9-96060248-C-T.
Other names: c.5933C>T, p.Pro1978Leu (NM_001282394.3); short protein forms P1941L, P1978L.
Identifiers: ClinVar variation 3470662 (VCV003470662.1).
Genomic context (GRCh38, chr9:93,297,966, plus strand): 5'-CTCTGTACCGCCGCCTGGGCAAGCCACTGCCCCCCAACGTGGGCTTCTTCCACACGGCAC[C>T]CCCCACTGGCCGCCGGAGAAAAACCAGCAAGAGCAAGCTGAAGGCAGGCAAGCTGCTAAA-3'
Protein context (NP_006639.3, residues 1931-1951): PPNVGFFHTA[Pro1941Leu]PTGRRRKTSK

ClinVar aggregate classification (germline): Uncertain significance (1 of 4 stars; one submission).

gnomAD v4.1: 19 of 1,572,984 alleles (0.0012%); highest among the groups gnomAD compares: Non-Finnish European, 0.0016%; no homozygotes.

Submission:

Ambry Genetics
Classification: Uncertain significance. Last evaluated: 2024-12-08. Review status: criteria provided, single submitter. Criteria: Ambry Variant Classification Scheme 2023. Collection method: clinical testing. Allele origin: germline.
Comment: The p.P1941L variant (also known as c.5822C>T), located in coding exon 23 of the WNK2 gene, results from a C to T substitution at nucleotide position 5822. The proline at codon 1941 is replaced by leucine, an amino acid with similar properties. This amino acid position is conserved. In addition, this alteration is predicted to be deleterious by in silico analysis. Based on the available evidence, the clinical significance of this variant remains unclear.